The following is an entry in ClinVar:

ClinVar aggregate classification (germline): Conflicting classifications of pathogenicity. Review status: criteria provided, conflicting classifications (1 of 4 stars). 4 submissions from 4 submitters: Uncertain significance (1); Likely benign (2). 1 of the submissions does not count toward it. Last evaluated 2026-07-09.

Conditions:
CHM-related disorder. Also called: CHM-related condition.
Choroideremia. Also called: Chorioretinal scalloped atrophy. Identifiers: Orphanet 180, MedGen C0008525, MONDO:0010557, OMIM 303100, HP:0001139.

Allele frequency attached by ClinVar (database versions not stated): ExAC 0.00001; gnomAD 0.00002; gnomAD exomes 0.00002 and 0.00004.
gnomAD v4.1: 25 of 1,208,886 alleles (0.0021%); highest among the groups gnomAD compares: Non-Finnish European, 0.0028%; no homozygotes.

Submissions (4):

PreventionGenetics, part of Exact Sciences
Classification: Uncertain significance for CHM-related condition. Last evaluated: 2026-07-09. Review status: criteria provided, single submitter. Criteria: ACMG Guidelines, 2015. Collection method: clinical testing. Allele origin: germline.
Comment: The CHM c.484G>A variant is predicted to result in the amino acid substitution p.Asp162Asn. To our knowledge, this variant has not been reported in the literature. This variant is reported in 0.0086% of alleles in individuals of European (Non-Finnish) descent in gnomAD. At this time, the clinical significance of this variant is uncertain due to the absence of conclusive functional and genetic evidence.

Labcorp Genetics (formerly Invitae), Labcorp
Classification: Likely benign. Last evaluated: 2025-07-28. Review status: criteria provided, single submitter. Criteria: Invitae Variant Classification Sherloc (09022015). Collection method: clinical testing. Allele origin: germline.

Blueprint Genetics
Classification: Likely benign. Last evaluated: 2023-04-18. Review status: criteria provided, single submitter. Criteria: ACMG Guidelines, 2015. Collection method: clinical testing. Allele origin: germline.

Natera, Inc.
Classification: Likely benign for Choroideremia. Last evaluated: 2020-01-27. Review status: no assertion criteria provided. Collection method: clinical testing. Allele origin: germline. Not counted in ClinVar's aggregate classification.

NM_000390.4(CHM):c.484G>A (p.Asp162Asn)

Genes: CHM (CHM Rab escort protein; minus strand), LOC129391306 (MPRA-validated peak7401 silencer; plus strand). Cytogenetic location: Xq21.2.
Variant type: single nucleotide variant.
Coding change: c.484G>A on transcript NM_000390.4 (MANE Select); coding-DNA position 484, G replaced by A.
Protein change: p.Asp162Asn; replaces aspartic acid 162 with asparagine.
Molecular consequence: missense variant.
Genome position (GRCh38, 1-based): chrX:85,963,883, C>T on the plus strand (G>A on the coding strand, the complement: CHM is on the minus strand). VCF-style: chrX-85963883-C-T. GRCh37 (hg19) VCF-style: chrX-85218888-C-T.
Other names: c.40G>A, p.Asp14Asn (NM_001320959.1, NM_001362517.1, NM_001362518.2 and 1 more transcripts); c.484G>A (NM_000390.3); short protein forms D14N, D162N.
Identifiers: ClinVar variation 1158381 (VCV001158381.12), dbSNP rs755873471, ClinGen allele CA10465571.
Genomic context (GRCh38, chrX:85,963,883, plus strand): 5'-AATGGTTTTCTTTTTCCCCTGTCACTTCAGCACCATTTACTTCTAGCGCATTCTCTGGAT[C>T]GCTGCTTGGAGTTTGTTCTGTGAGCATTTCACAGCTCATAGTGCTTAATGACTCATCCTC-3'
Protein context (NP_000381.1, residues 152-172): EMLTEQTPSS[Asp162Asn]PENALEVNGA